The following is an entry in ClinVar:

NM_025074.7(FRAS1):c.6303C>G (p.His2101Gln)

Gene: FRAS1 (Fraser extracellular matrix complex subunit 1; plus strand). Cytogenetic location: 4q21.21.
Variant type: single nucleotide variant.
Coding change: c.6303C>G on transcript NM_025074.7 (MANE Select); coding-DNA position 6303, C replaced by G.
Protein change: p.His2101Gln; replaces histidine 2101 with glutamine.
Molecular consequence: missense variant.
Genome position (GRCh38, 1-based): chr4:78,450,179, C>G. VCF-style: chr4-78450179-C-G. GRCh37 (hg19) VCF-style: chr4-79371333-C-G.
Other names: short protein forms H2101Q.
Identifiers: ClinVar variation 931341 (VCV000931341.3), dbSNP rs1718978389, ClinGen allele CA357394451.

ClinVar aggregate classification (germline): Uncertain significance (1 of 4 stars; one submission).

Conditions:
Fraser syndrome 1 (FRASRS1). Also called: CRYPTOPHTHALMOS WITH OTHER MALFORMATIONS. Identifiers: Orphanet 2052, MedGen C4551480, MONDO:0054737, OMIM 219000.

Allele frequency attached by ClinVar (database versions not stated): gnomAD exomes below 0.00001.
gnomAD v4.1: 2 of 1,613,796 alleles (0.00012%); highest among the groups gnomAD compares: Non-Finnish European, 0.00017%; no homozygotes.

Submission:

Centre for Mendelian Genomics, University Medical Centre Ljubljana
Classification: Uncertain significance for Fraser syndrome 1. Last evaluated: 2018-10-01. Review status: criteria provided, single submitter. Criteria: ACMG Guidelines, 2015. Collection method: clinical testing. Allele origin: unknown. Affected: yes.
Comment: This variant was classified as: Uncertain significance. The available evidence favors the benign nature of this variant, however the evidence is insufficent to prove its benign nature.